The following is an entry in ClinVar:

NM_000500.9(CYP21A2):c.68G>A (p.Trp23Ter)

Genes: CYP21A2 (cytochrome P450 family 21 subfamily A member 2; plus strand), LOC106780800 (CYP21A2 recombination region; plus strand). Cytogenetic location: 6p21.33.
Variant type: single nucleotide variant.
Coding change: c.68G>A on transcript NM_000500.9 (MANE Select); coding-DNA position 68, G replaced by A.
Protein change: p.Trp23Ter; replaces tryptophan 23 with a stop codon.
Molecular consequence: nonsense. On other transcripts: 5 prime UTR variant (2).
Genome position (GRCh38, 1-based): chr6:32,038,490, G>A. VCF-style: chr6-32038490-G-A. GRCh37 (hg19) VCF-style: chr6-32006267-G-A.
Other names: c.68G>A, p.Trp23Ter (NM_001128590.4); c.-357G>A (NM_001368143.2); c.-267G>A (NM_001368144.2); short protein forms W23*.
Identifiers: ClinVar variation 3064076 (VCV003064076.4), dbSNP rs1775988406, ClinGen allele CA363498789.
Genomic context (GRCh38, chr6:32,038,490, plus strand): 5'-TCCTGGGCCTGCTGCTGCTGCTGCCCCTGCTGGCTGGCGCCCGCCTGCTGTGGAACTGGT[G>A]GAAGCTCCGGAGCCTCCACCTCCCGCCTCTTGCCCCGGGCTTCTTGCACCTGCTGCAGCC-3'

ClinVar aggregate classification (germline): Pathogenic/Likely pathogenic. Review status: criteria provided, multiple submitters, no conflicts (2 of 4 stars). 2 submissions from 2 submitters: Pathogenic (1); Likely pathogenic (1). Last evaluated 2025-03-21.

Conditions:
21-Hydroxylase-Deficient Congenital Adrenal Hyperplasia. Also called: ADRENAL HYPERPLASIA, CONGENITAL, DUE TO 21-HYDROXYLASE DEFICIENCY; ADRENAL HYPERPLASIA III. Identifiers: MedGen C2936858, OMIM 201910.

Submissions (2):

3billion
Classification: Pathogenic for 21-Hydroxylase-Deficient Congenital Adrenal Hyperplasia. Last evaluated: 2025-03-21. Review status: criteria provided, single submitter. Criteria: ACMG Guidelines, 2015. Collection method: clinical testing. Allele origin: germline. Affected: yes.
Comment: The variant is observed at an extremely low frequency in the gnomAD v4.1.0 dataset (total allele frequency: <0.001%). Predicted Consequence/Location: Stop-gained (nonsense): predicted to result in a loss or disruption of normal protein function through nonsense-mediated decay (NMD) or protein truncation. Multiple pathogenic variants are reported downstream of the variant. The variant has been reported to be associated with CYP21A2-related disorder (ClinVar ID: VCV003064076 / PMID: 17993777). Therefore, this variant is classified as Pathogenic according to the recommendation of ACMG/AMP guideline.

Genomic Medicine Center of Excellence, King Faisal Specialist Hospital and Research Centre
Classification: Likely pathogenic for 21-Hydroxylase-Deficient Congenital Adrenal Hyperplasia. Last evaluated: 2024-03-17. Review status: criteria provided, single submitter. Criteria: ACMG Guidelines, 2015. Collection method: research. Allele origin: germline.

Literature cited by the submitters: PubMed 17993777 (cited by 3billion).